The following is an entry in ClinVar:

NM_206933.4(USH2A):c.7843C>T (p.Gln2615Ter)

Gene: USH2A (usherin; minus strand). Cytogenetic location: 1q41.
Variant type: single nucleotide variant.
Coding change: c.7843C>T on transcript NM_206933.4 (MANE Select); coding-DNA position 7843, C replaced by T.
Protein change: p.Gln2615Ter; replaces glutamine 2615 with a stop codon.
Molecular consequence: nonsense.
Genome position (GRCh38, 1-based): chr1:215,888,806, G>A on the plus strand (C>T on the coding strand, the complement: USH2A is on the minus strand). VCF-style: chr1-215888806-G-A. GRCh37 (hg19) VCF-style: chr1-216062148-G-A.
Other names: short protein forms Q2615*.
Identifiers: ClinVar variation 2679499 (VCV002679499.2), dbSNP rs2464750058, ClinGen allele CA344839721.

ClinVar aggregate classification (germline): Pathogenic/Likely pathogenic. Review status: criteria provided, multiple submitters, no conflicts (2 of 4 stars). 2 submissions from 2 submitters: Pathogenic (1); Likely pathogenic (1). Last evaluated 2026-03-13.

Conditions:
USH2A-related disorder. Also called: USH2A-related disorders; USH2A-related condition. Identifiers: MedGen CN239332.
Retinitis pigmentosa 39 (RP39). Identifiers: Orphanet 791, MedGen C3151138, MONDO:0013436, OMIM 613809.

Submissions (2):

Myriad Genetics, Inc.
Classification: Pathogenic for USH2A-related disorder. Last evaluated: 2026-03-13. Review status: criteria provided, single submitter. Criteria: Myriad Autosomal Dominant, Autosomal Recessive and X-Linked Classification Criteria (2023). Collection method: clinical testing. Allele origin: unknown.
Comment: NM_206933.2(USH2A):c.7843C>T(Q2615*) is expected to be pathogenic in the context of USH2A-related disorders. This variant is predicted to lead to an abnormal or absent protein product due to the creation of a premature termination codon in USH2A, a gene where loss-of-function variants are known to be pathogenic. Please note: this variant was assessed in the context of healthy population screening.

Baylor Genetics
Classification: Likely pathogenic for Retinitis pigmentosa 39. Last evaluated: 2023-05-08. Review status: criteria provided, single submitter. Criteria: ACMG Guidelines, 2015. Collection method: clinical testing. Allele origin: unknown.